The following is an entry in ClinVar:

NM_004612.4(TGFBR1):c.1058_1059insCAATA (p.Leu354fs)

Gene: TGFBR1 (transforming growth factor beta receptor 1; plus strand). Cytogenetic location: 9q22.33.
Variant type: Insertion.
Coding change: c.1058_1059insCAATA on transcript NM_004612.4 (MANE Select); coding-DNA positions 1058 to 1059, CAATA inserted.
Protein change: p.Leu354fs; shifts the reading frame from leucine 354.
Molecular consequence: frameshift variant.
Genome position: GRCh38 VCF-style: chr9-99144816-G-GCAATA. GRCh37 (hg19) VCF-style: chr9-101907098-G-GCAATA.
Other names: c.827_828insCAATA, p.Leu277fs (NM_001130916.3); c.1070_1071insCAATA, p.Leu358fs (NM_001306210.2); short protein forms L277fs, L354fs, L358fs.
Identifiers: ClinVar variation 403530 (VCV000403530.4), dbSNP rs1060499908, ClinGen allele CA16609746.

ClinVar aggregate classification (germline): Uncertain significance (1 of 4 stars; one submission).

Allele frequency attached by ClinVar (database versions not stated): gnomAD exomes below 0.00001.

Submission:

Laboratory for Molecular Medicine, Mass General Brigham Personalized Medicine
Classification: Uncertain significance. Last evaluated: 2016-11-01. Review status: criteria provided, single submitter. Criteria: LMM Criteria. Collection method: clinical testing. Allele origin: germline.
Comment: Variant identified in a genome or exome case(s) and assessed due to predicted null impact of the variant or pathogenic assertions in the literature or databases. Disclaimer: This variant has not undergone full assessment. The following are preliminary notes: This is a frameshift variant in exon 6 of 9 in TGFBR1. It has not been seen in individuals with Loeys-Dietz syndrome and is not reported in ClinVar or ExAC. Loss of function variants in TGFBR1 are not an established mechanism for Loeys-Dietz syndrome, but may be associated with multiple self-healing squamous epithelioma